The following is an entry in ClinVar:

ClinVar aggregate classification (germline): Uncertain significance. Review status: criteria provided, multiple submitters, no conflicts (2 of 4 stars). 8 submissions from 8 submitters: Uncertain significance (8). Last evaluated 2026-07-03.

Conditions:
Arrhythmogenic right ventricular dysplasia 11. Also called: Arrhythmogenic Right Ventricular Dysplasia/Cardiomyopathy11; ARRHYTHMOGENIC RIGHT VENTRICULAR DYSPLASIA, FAMILIAL, 11; Arrhythmogenic right ventricular dysplasia 11 with mild palmoplantar keratoderma and woolly hair. Identifiers: MedGen C1864850, MONDO:0012506, OMIM 610476.
Familial isolated arrhythmogenic right ventricular dysplasia. Identifiers: Orphanet 217656, MedGen C4274968, MONDO:0016342.
Cardiomyopathy (CMYO). Also called: Cardiomyopathies. Identifiers: Orphanet 167848, MedGen C0878544, MONDO:0004994, HP:0001638. Inheritance: Various modes of inheritance.
Cardiovascular phenotype. Identifiers: MedGen CN230736.

gnomAD v4.1: 12 of 1,613,812 alleles (0.00074%); highest among the groups gnomAD compares: East Asian, 0.016%; no homozygotes.

Submissions (8):

Ambry Genetics
Classification: Uncertain significance for Cardiovascular phenotype. Last evaluated: 2026-07-03. Review status: criteria provided, single submitter. Criteria: Ambry Variant Classification Scheme 2023. Collection method: clinical testing. Allele origin: germline.

All of Us Research Program, National Institutes of Health
Classification: Uncertain significance for Familial isolated arrhythmogenic right ventricular dysplasia. Last evaluated: 2024-09-26. Review status: criteria provided, single submitter. Criteria: ACMG Guidelines, 2015. Collection method: clinical testing. Allele origin: germline. Inheritance: Autosomal dominant inheritance. Observed: 3 variant alleles, 3 heterozygotes.
Comment: This missense variant replaces threonine with lysine at codon 721 of the DSC2 protein. Computational prediction suggests that this variant may not impact protein structure and function (internally defined REVEL score threshold <= 0.5, PMID: 27666373). To our knowledge, functional studies have not been reported for this variant. This variant has not been reported in individuals affected with cardiovascular disorders in the literature. This variant has not been identified in the general population by the Genome Aggregation Database (gnomAD). The available evidence is insufficient to determine the role of this variant in disease conclusively. Therefore, this variant is classified as a Variant of Uncertain Significance.

This study involves interpretation of variants in research participants for the purpose of population health screening. Participant phenotype was not available at the time of variant classification. Additional details can be found in publication PMID: 35346344, PMCID: PMC8962531

Color Diagnostics, LLC DBA Color Health
Classification: Uncertain significance for Cardiomyopathy. Last evaluated: 2024-03-07. Review status: criteria provided, single submitter. Criteria: ACMG Guidelines, 2015. Collection method: clinical testing. Allele origin: germline.
Comment: This missense variant replaces threonine with lysine at codon 721 of the DSC2 protein. Computational prediction suggests that this variant may not impact protein structure and function (internally defined REVEL score threshold <= 0.5, PMID: 27666373). To our knowledge, functional studies have not been reported for this variant. This variant has not been reported in individuals affected with cardiovascular disorders in the literature. This variant has not been identified in the general population by the Genome Aggregation Database (gnomAD). The available evidence is insufficient to determine the role of this variant in disease conclusively. Therefore, this variant is classified as a Variant of Uncertain Significance.

Labcorp Genetics (formerly Invitae), Labcorp
Classification: Uncertain significance for Arrhythmogenic right ventricular dysplasia 11. Last evaluated: 2024-02-25. Review status: criteria provided, single submitter. Criteria: Invitae Variant Classification Sherloc (09022015). Collection method: clinical testing. Allele origin: germline.
Comment: This sequence change replaces threonine, which is neutral and polar, with lysine, which is basic and polar, at codon 721 of the DSC2 protein (p.Thr721Lys). This variant is not present in population databases (gnomAD no frequency). This variant has not been reported in the literature in individuals affected with DSC2-related conditions. ClinVar contains an entry for this variant (Variation ID: 626834). Advanced modeling of protein sequence and biophysical properties (such as structural, functional, and spatial information, amino acid conservation, physicochemical variation, residue mobility, and thermodynamic stability) performed at Invitae indicates that this missense variant is not expected to disrupt DSC2 protein function with a negative predictive value of 80%. In summary, the available evidence is currently insufficient to determine the role of this variant in disease. Therefore, it has been classified as a Variant of Uncertain Significance.

Revvity Omics, Revvity
Classification: Uncertain significance for Arrhythmogenic right ventricular dysplasia 11. Last evaluated: 2019-12-19. Review status: criteria provided, single submitter. Criteria: ACMG Guidelines, 2015. Collection method: clinical testing. Allele origin: germline.

Women's Health and Genetics/Laboratory Corporation of America, LabCorp
Classification: Uncertain significance. Last evaluated: 2019-11-04. Review status: criteria provided, single submitter. Criteria: LabCorp Variant Classification Summary - May 2015. Collection method: clinical testing. Allele origin: germline.
Comment: Variant summary: DSC2 c.2162C>A (p.Thr721Lys) results in a non-conservative amino acid change in the encoded protein sequence. Four of five in-silico tools predict a benign effect of the variant on protein function. The variant was absent in 251264 control chromosomes (gnomAD). The available data on variant occurrences in the general population are insufficient to allow any conclusion about variant significance. To our knowledge, no occurrence of c.2162C>A in individuals affected with Arrhythmia and no experimental evidence demonstrating its impact on protein function have been reported. Two ClinVar submitters (evaluation after 2014) cited the variant as uncertain significance. Based on the evidence outlined above, the variant was classified as uncertain significance.

Illumina Laboratory Services, Illumina
Classification: Uncertain significance for Arrhythmogenic right ventricular dysplasia 11. Last evaluated: 2018-01-13. Review status: criteria provided, single submitter. Criteria: ICSL Variant Classification Criteria 13 December 2019. Collection method: clinical testing. Allele origin: germline.

CHEO Genetics Diagnostic Laboratory, Children's Hospital of Eastern Ontario
Classification: Uncertain significance for Cardiomyopathy. Last evaluated: 2015-09-11. Review status: criteria provided, single submitter. Criteria: ACMG Guidelines, 2015. Collection method: clinical testing. Allele origin: germline. Study: Canadian Open Genetics Repository.

NM_024422.6(DSC2):c.2162C>A (p.Thr721Lys)

Gene: DSC2 (desmocollin 2; minus strand). Cytogenetic location: 18q12.1.
Variant type: single nucleotide variant.
Coding change: c.2162C>A on transcript NM_024422.6 (MANE Select); coding-DNA position 2162, C replaced by A.
Protein change: p.Thr721Lys; replaces threonine 721 with lysine.
Molecular consequence: missense variant.
Genome position (GRCh38, 1-based): chr18:31,070,814, G>T on the plus strand (C>A on the coding strand, the complement: DSC2 is on the minus strand). VCF-style: chr18-31070814-G-T. GRCh37 (hg19) VCF-style: chr18-28650780-G-T.
Other names: c.2162C>A, p.Thr721Lys (NM_004949.5); short protein forms T721K.
Identifiers: ClinVar variation 626834 (VCV000626834.24), dbSNP rs759513934, ClinGen allele CA402112524.
Genomic context (GRCh38, chr18:31,070,814, plus strand): 5'-TTTGATACAATTAGGTTCTGCTGGGCTAAATCATCAGGAATTACTTTTGGTTGTTTAGAC[G>T]TCCCAGAAGCCCCACAGACCAGCGTAAACAGGATGCCTGGAGGAAGAAAGAAATATACTT-3'
Protein context (NP_077740.1, residues 711-731): LFTLVCGASG[Thr721Lys]SKQPKVIPDD